The following is an entry in ClinVar:

NM_001365480.1(CCDC88A):c.869G>T (p.Arg290Met)

Gene: CCDC88A (coiled-coil and HOOK domain protein 88A; minus strand). Cytogenetic location: 2p16.1.
Variant type: single nucleotide variant.
Coding change: c.869G>T on transcript NM_001365480.1 (MANE Select); coding-DNA position 869, G replaced by T.
Protein change: p.Arg290Met; replaces arginine 290 with methionine.
Molecular consequence: missense variant.
Genome position (GRCh38, 1-based): chr2:55,349,531, C>A on the plus strand (G>T on the coding strand, the complement: CCDC88A is on the minus strand). VCF-style: chr2-55349531-C-A. GRCh37 (hg19) VCF-style: chr2-55576667-C-A.
Other names: c.869G>T, p.Arg290Met (NM_001135597.2, NM_001254943.2, NM_018084.5); short protein forms R290M.
Identifiers: ClinVar variation 1516173 (VCV001516173.8), dbSNP rs2104742337, ClinGen allele CA346908475.
Genomic context (GRCh38, chr2:55,349,531, plus strand): 5'-TTCCAATTACTTGGTGGTCCTAAATAACAGATATTCCAGGTACAAACCTCTTGTTGCAGC[C>A]TTTTGAGTTCTATTTCCATTTGCTCAAGTTCTTGTTTACAATCCAACAACTGCTCAGTCT-3'
Protein context (NP_001352409.1, residues 280-300): ELEQMEIELK[Arg290Met]LQQENMNLLS

ClinVar aggregate classification (germline): Uncertain significance (1 of 4 stars; one submission).

Allele frequency attached by ClinVar (database versions not stated): gnomAD exomes below 0.00001.
gnomAD v4.1: 1 of 1,611,654 alleles (0.000062%); highest among the groups gnomAD compares: Non-Finnish European, 0.000085%; no homozygotes.

Submission:

Labcorp Genetics (formerly Invitae), Labcorp
Classification: Uncertain significance. Last evaluated: 2021-03-12. Review status: criteria provided, single submitter. Criteria: Invitae Variant Classification Sherloc (09022015). Collection method: clinical testing. Allele origin: germline.
Comment: In summary, the available evidence is currently insufficient to determine the role of this variant in disease. Therefore, it has been classified as a Variant of Uncertain Significance. Algorithms developed to predict the effect of missense changes on protein structure and function are either unavailable or do not agree on the potential impact of this missense change (SIFT: "Deleterious"; PolyPhen-2: "Possibly Damaging"; Align-GVGD: "Class C0"). This variant has not been reported in the literature in individuals with CCDC88A-related conditions. This variant is not present in population databases (ExAC no frequency). This sequence change replaces arginine with methionine at codon 290 of the CCDC88A protein (p.Arg290Met). The arginine residue is moderately conserved and there is a moderate physicochemical difference between arginine and methionine.